The following is an entry in ClinVar:

NM_000359.3(TGM1):c.2102C>T (p.Ala701Val)

Gene: TGM1 (transglutaminase 1; minus strand). Cytogenetic location: 14q12.
Variant type: single nucleotide variant.
Coding change: c.2102C>T on transcript NM_000359.3 (MANE Select); coding-DNA position 2102, C replaced by T.
Protein change: p.Ala701Val; replaces alanine 701 with valine.
Molecular consequence: missense variant.
Genome position (GRCh38, 1-based): chr14:24,254,275, G>A on the plus strand (C>T on the coding strand, the complement: TGM1 is on the minus strand). VCF-style: chr14-24254275-G-A. GRCh37 (hg19) VCF-style: chr14-24723481-G-A.
Other names: c.2102C>T (NM_000359.2); short protein forms A701V.
Identifiers: ClinVar variation 1049205 (VCV001049205.2), dbSNP rs746902595, ClinGen allele CA7130880.

ClinVar aggregate classification (germline): Uncertain significance. Review status: criteria provided, single submitter (1 of 4 stars). 2 submissions from 2 submitters: Uncertain significance (1). 1 of the submissions does not count toward it. Last evaluated 2025-04-30.

Conditions:
Inborn genetic diseases. Identifiers: MedGen C0950123, MeSH D030342.

Allele frequency attached by ClinVar (database versions not stated): gnomAD exomes below 0.00001 and 0.00001; TOPMed below 0.00001; ExAC 0.00002.
gnomAD v4.1: 3 of 1,614,086 alleles (0.00019%); highest among the groups gnomAD compares: East Asian, 0.0067%; no homozygotes.

Submissions (2):

Ambry Genetics
Classification: Uncertain significance for Inborn genetic diseases. Last evaluated: 2025-04-30. Review status: criteria provided, single submitter. Criteria: Ambry Variant Classification Scheme 2023. Collection method: clinical testing. Allele origin: germline.

Department of Pathology and Laboratory Medicine, Sinai Health System
Classification: Uncertain significance. Review status: no assertion criteria provided. Collection method: clinical testing. Allele origin: unknown. Affected: yes. Study: The Canadian Open Genetics Repository (COGR). Not counted in ClinVar's aggregate classification.
Comment: The TGM1 p.Ala701Val variant was not identified in the literature nor was it identified in ClinVar, Cosmic, or LOVD 3.0. The variant was identified in dbSNP (ID: rs746902595) and in control databases in 2 of 251264 chromosomes at a frequency of 0.000008 (Genome Aggregation Database Feb 27, 2017). The variant was observed in the East Asian population in 2 of 18390 chromosomes (freq: 0.000109), but was not observed in the African, Latino, Ashkenazi Jewish, European (Finnish), European (non-Finnish), Other or South Asian populations. The p.Ala701 residue is conserved in mammals and computational analyses (PolyPhen-2, SIFT, AlignGVGD, BLOSUM, MutationTaster) provide inconsistent predictions regarding the impact to the protein; this information is not very predictive of pathogenicity. The variant occurs outside of the splicing consensus sequence and in silico or computational prediction software programs (SpliceSiteFinder, MaxEntScan, NNSPLICE, GeneSplicer) do not predict a difference in splicing. In summary, based on the above information the clinical significance of this variant cannot be determined with certainty at this time. This variant is classified as a variant of uncertain significance.